The following is an entry in ClinVar:

NM_172107.4(KCNQ2):c.927+2T>C

Gene: KCNQ2 (potassium voltage-gated channel subfamily Q member 2; minus strand). Cytogenetic location: 20q13.33.
Variant type: single nucleotide variant.
Coding change: c.927+2T>C on transcript NM_172107.4 (MANE Select); the canonical splice donor site of the intron after coding-DNA position 927, T replaced by C.
Molecular consequence: splice donor variant.
Genome position (GRCh38, 1-based): chr20:63,439,596, A>G on the plus strand (T>C on the coding strand, the complement: KCNQ2 is on the minus strand). VCF-style: chr20-63439596-A-G. GRCh37 (hg19) VCF-style: chr20-62070949-A-G.
Other names: c.927+2T>C (NM_004518.6, NM_172108.5, NM_172106.3 and 2 more transcripts).
Identifiers: ClinVar variation 969273 (VCV000969273.11), dbSNP rs2081097112, ClinGen allele CA409652412.

ClinVar aggregate classification (germline): Pathogenic (1 of 4 stars; one submission).

Conditions:
Early-infantile DEE. Also called: Ohtahara syndrome; Early infantile epileptic encephalopathy with suppression bursts; Early infantile epileptic encephalopathy. Identifiers: Orphanet 1934, MedGen C0393706, MONDO:0800491.

Submission:

Labcorp Genetics (formerly Invitae), Labcorp
Classification: Pathogenic for Early-infantile DEE. Last evaluated: 2022-10-28. Review status: criteria provided, single submitter. Criteria: Invitae Variant Classification Sherloc (09022015). Collection method: clinical testing. Allele origin: germline.
Comment: Disruption of this splice site has been observed in individual(s) with epileptic encephalopathy (PMID: 25951140). In at least one individual the variant was observed to be de novo. For these reasons, this variant has been classified as Pathogenic. Algorithms developed to predict the effect of sequence changes on RNA splicing suggest that this variant may disrupt the consensus splice site. ClinVar contains an entry for this variant (Variation ID: 969273). This variant is not present in population databases (gnomAD no frequency). This sequence change affects a donor splice site in intron 6 of the KCNQ2 gene. It is expected to disrupt RNA splicing. Variants that disrupt the donor or acceptor splice site typically lead to a loss of protein function (PMID: 16199547), and loss-of-function variants in KCNQ2 are known to be pathogenic (PMID: 14534157, 23692823, 27779742).

Literature cited by the submitters: PubMed 25951140; PubMed 16199547; PubMed 14534157; PubMed 23692823; PubMed 27779742.